The following is an entry in ClinVar:

NM_001127511.3(APC):c.-177T>G

Gene: APC (APC regulator of Wnt signaling pathway; plus strand). Cytogenetic location: 5q22.2.
Variant type: single nucleotide variant.
Coding change: c.-177T>G on transcript NM_001127511.3; 177 bases upstream of the start codon, T replaced by G.
Molecular consequence: 5 prime UTR variant. On other transcripts: non-coding transcript variant (2).
Genome position (GRCh38, 1-based): chr5:112,707,541, T>G. VCF-style: chr5-112707541-T-G. GRCh37 (hg19) VCF-style: chr5-112043238-T-G.
Other names: c.-360T>G (NM_001354895.2, NM_001407447.1, NM_001407452.1 and 3 more transcripts); c.-177T>G (NM_001354897.2, NM_001354902.2, NM_001407446.1); c.-127T>G (NM_001407448.1, NM_001407450.1, NM_001407457.1 and 1 more transcripts); c.-151T>G (NM_001407453.1); c.-1395T>G (NM_001407470.1, NM_001407472.1).
Identifiers: ClinVar variation 3608284 (VCV003608284.2).

ClinVar aggregate classification (germline): Uncertain significance (1 of 4 stars; one submission).

Conditions:
Familial adenomatous polyposis 1 (FAP1). Also called: FAMILIAL ADENOMATOUS POLYPOSIS 1, ATTENUATED; POLYPOSIS, ADENOMATOUS INTESTINAL. Identifiers: MedGen C2713442, MONDO:0021056, OMIM 175100. Disease mechanism: loss of function.

gnomAD v4.1: 1 of 523,684 alleles (0.00019%); highest among the groups gnomAD compares: African/African-American, 0.0019%; no homozygotes.

Submission:

Labcorp Genetics (formerly Invitae), Labcorp
Classification: Uncertain significance for Familial adenomatous polyposis 1. Last evaluated: 2024-07-08. Review status: criteria provided, single submitter. Criteria: Invitae Variant Classification Sherloc (09022015). Collection method: clinical testing. Allele origin: germline.
Comment: This variant occurs in a non-coding region of the APC gene. It does not change the encoded amino acid sequence of the APC protein. This variant is not present in population databases (gnomAD no frequency). This variant has not been reported in the literature in individuals affected with APC-related conditions. Experimental studies and prediction algorithms are not available or were not evaluated, and the functional significance of this variant is currently unknown. In summary, the available evidence is currently insufficient to determine the role of this variant in disease. Therefore, it has been classified as a Variant of Uncertain Significance.